The following is an entry in ClinVar:

ClinVar aggregate classification (germline): Pathogenic (1 of 4 stars; one submission).

Submission:

Labcorp Genetics (formerly Invitae), Labcorp
Classification: Pathogenic. Last evaluated: 2021-05-18. Review status: criteria provided, single submitter. Criteria: Invitae Variant Classification Sherloc (09022015). Collection method: clinical testing. Allele origin: germline.
Comment: This variant is not present in population databases (ExAC no frequency). This sequence change inserts a large fragment of DNA, likely a transposable element, in exon 5 of the RETREG1 gene (c.621_622ins?), causing a frameshift at codon 208 (p.Thr208Phefs). The exact size and sequence of the insertion cannot be determined by the current assay. However, the insertion is expected to result in an absent or disrupted protein product. This variant has not been reported in the literature in individuals with RETREG1-related conditions. Algorithms developed to predict the effect of sequence changes on RNA splicing suggest that this variant may create or strengthen a splice site, but this prediction has not been confirmed by published transcriptional studies. Retrotransposon insertions including LINE1 (L1), Alu, and SVA (SINE-VNTR-Alu) have been reported to be disease-causing through disruption of either a coding region or splice site (PMID: 19763152, 20307669, 22406018) and loss-of-function variants in RETREG1 are known to be pathogenic (PMID: 19838196). For these reasons, this variant has been classified as Pathogenic.

Literature cited by the submitters: PubMed 19763152; PubMed 20307669; PubMed 22406018; PubMed 19838196.

NM_001034850.3(RETREG1):c.621_622insTTTTTTTTTTTTTTTTTTTTNNNNNNNNNNCTGACCTCATGATCCACCCGCCTCGGCCTCCCTACGTGCTGGGATTACAGGCGTGAGCCACCGCGCCCGGCCGTGTGTGCACATTTTTT (p.Thr208delinsPhePhePhePhePhePheXaaXaaXaaXaaLeuThrSerTer)

Gene: RETREG1 (reticulophagy regulator 1; minus strand). Cytogenetic location: 5p15.1.
Variant type: Microsatellite.
Coding change: c.621_622insTTTTTTTTTTTTTTTTTTTTNNNNNNNNNNCTGACCTCATGATCCACCCGCCTCGGCCTCCCTACGTGCTGGGATTACAGGCGTGAGCCACCGCGCCCGGCCGTGTGTGCACATTTTTT on transcript NM_001034850.3 (MANE Select); coding-DNA positions 621 to 622, TTTTTTTTTTTTTTTTTTTTNNNNNNNNNNCTGACCTCATGATCCACCCGCCTCGGCCTCCCTACGTGCTGGGATTACAGGCGTGAGCCACCGCGCCCGGCCGTGTGTGCACATTTTTT inserted.
Protein change: p.Thr208delinsPhePhePhePhePhePheXaaXaaXaaXaaLeuThrSerTer.
Molecular consequence: nonsense.
Genome position: GRCh38: chr5:16,481,058-16,481,074. GRCh37 (hg19): chr5:16,481,167-16,481,183.
Other names: c.198_199insTTTTTTTTTTTTTTTTTTTTNNNNNNNNNNCTGACCTCATGATCCACCCGCCTCGGCCTCCCTACGTGCTGGGATTACAGGCGTGAGCCACCGCGCCCGGCCGTGTGTGCACATTTTTT, p.Thr67delinsPhePhePhePhePhePheXaaXaaXaaXaaLeuThrSerTer (NM_019000.5).
Identifiers: ClinVar variation 1358533 (VCV001358533.6).